The following is an entry in ClinVar:

ClinVar aggregate classification (germline): Likely pathogenic. Review status: criteria provided, multiple submitters, no conflicts (2 of 4 stars). 2 submissions from 2 submitters: Likely pathogenic (2). Last evaluated 2026-04-17.

Conditions:
Familial cancer of breast. Also called: BREAST CANCER, FAMILIAL; Hereditary breast cancer; hereditary breast carcinoma. Identifiers: Orphanet 227535, MedGen C0346153, MONDO:0016419, OMIM 114480. Disease mechanism: loss of function.
Hereditary cancer-predisposing syndrome. Also called: Neoplastic Syndromes, Hereditary; Tumor predisposition; Hereditary neoplastic syndrome; Hereditary Cancer Syndrome. Identifiers: Orphanet 140162, MedGen C0027672, MeSH D009386, MONDO:0015356.

Submissions (2):

Ambry Genetics
Classification: Likely pathogenic for Hereditary cancer-predisposing syndrome. Last evaluated: 2026-04-17. Review status: criteria provided, single submitter. Criteria: Ambry Variant Classification Scheme 2023. Collection method: clinical testing. Allele origin: germline.
Comment: The c.2257+2_2257+8delTAACTGG intronic variant, located in intron 14 of the BRIP1 gene, results from a deletion of 7 nucleotides within intron 14 of the BRIP1 gene. This variant is considered to be rare based on population cohorts in the Genome Aggregation Database (gnomAD). This nucleotide position is well conserved in available vertebrate species. In silico splice site analysis predicts that this alteration will weaken the native splice donor site and will result in the creation or strengthening of a novel splice donor site. Variants that disrupt the canonical splice site are expected to cause aberrant splicing, resulting in an abnormal protein or a transcript that is subject to nonsense-mediated mRNA decay. As such, this variant is classified as likely pathogenic.

Myriad Genetics, Inc.
Classification: Likely pathogenic for Familial cancer of breast. Last evaluated: 2025-07-14. Review status: criteria provided, single submitter. Criteria: Myriad Autosomal Dominant, Autosomal Recessive and X-Linked Classification Criteria (2023). Collection method: clinical testing. Allele origin: unknown.
Comment: This variant is considered likely pathogenic. This variant occurs within a consensus splice junction and is predicted to result in abnormal mRNA splicing of either an out-of-frame exon or an in-frame exon necessary for protein stability and/or normal function.

NM_032043.3(BRIP1):c.2257+2_2257+8del

Gene: BRIP1 (BRCA1 interacting DNA helicase 1; minus strand). Cytogenetic location: 17q23.2.
Variant type: Deletion.
Coding change: c.2257+2_2257+8del on transcript NM_032043.3 (MANE Select); the canonical splice donor site of the intron after coding-DNA position 2257 through 8 bases into the intron after coding-DNA position 2257, 7 bases deleted (TAACTGG; older notation c.2257+2_2257+8delTAACTGG).
Molecular consequence: splice donor variant.
Genome position (GRCh38, 1-based): chr17:61,744,424-61,744,430, CCAGTTA deleted on the plus strand (TAACTGG on the coding strand, the reverse complement: BRIP1 is on the minus strand); deleting any 7 consecutive bases within chr17:61,744,424-61,744,432 gives the same sequence; the c. name uses the placement nearest the transcript's 3' end. VCF-style (leftmost placement, unchanged base first): chr17-61744423-TCCAGTTA-T. GRCh37 (hg19) VCF-style: chr17-59821784-TCCAGTTA-T.
Other names: c.2257+2_2257+8delTAACTGG (NM_032043.2).
Identifiers: ClinVar variation 4294231 (VCV004294231.2).